The following is an entry in ClinVar:

NM_207361.6(FREM2):c.8883del (p.Ala2962fs)

Gene: FREM2 (FRAS1 related extracellular matrix 2; plus strand). Cytogenetic location: 13q13.3.
Variant type: Deletion.
Coding change: c.8883del on transcript NM_207361.6 (MANE Select); coding-DNA position 8883, one base deleted (A; older notation c.8883delA).
Protein change: p.Ala2962fs; shifts the reading frame from alanine 2962.
Molecular consequence: frameshift variant.
Genome position (GRCh38, 1-based): chr13:38,878,854, A deleted; the last of 2 consecutive A bases (chr13:38,878,853-38,878,854); deleting either gives the same sequence. VCF-style (leftmost placement, unchanged base first): chr13-38878852-CA-C. GRCh37 (hg19) VCF-style: chr13-39452989-CA-C.
Other names: short protein forms A2962fs.
Identifiers: ClinVar variation 2974428 (VCV002974428.3), dbSNP rs748071471, ClinGen allele CA6956256.

ClinVar aggregate classification (germline): Pathogenic (1 of 4 stars; one submission).

Submission:

Labcorp Genetics (formerly Invitae), Labcorp
Classification: Pathogenic. Last evaluated: 2023-12-12. Review status: criteria provided, single submitter. Criteria: Invitae Variant Classification Sherloc (09022015). Collection method: clinical testing. Allele origin: germline.
Comment: This sequence change creates a premature translational stop signal (p.Ala2962Argfs*13) in the FREM2 gene. It is expected to result in an absent or disrupted protein product. Loss-of-function variants in FREM2 are known to be pathogenic (PMID: 18203166, 26552811). This variant is present in population databases (rs748071471, gnomAD 0.0009%). This variant has not been reported in the literature in individuals affected with FREM2-related conditions. For these reasons, this variant has been classified as Pathogenic.

Literature cited by the submitters: PubMed 18203166; PubMed 26552811.